The following is an entry in ClinVar:

ClinVar aggregate classification (germline): Pathogenic (1 of 4 stars; one submission).

Conditions:
Primary ciliary dyskinesia 16. Also called: CILIARY DYSKINESIA, PRIMARY, 16, WITH OR WITHOUT SITUS INVERSUS. Identifiers: Orphanet 244, MedGen C3151460, MONDO:0013525, OMIM 614017.

Allele frequency attached by ClinVar (database versions not stated): gnomAD exomes 0.00001; TOPMed 0.00001; ExAC 0.00003; ESP Exome Variant Server 0.00008.

Submission:

Labcorp Genetics (formerly Invitae), Labcorp
Classification: Pathogenic for Primary ciliary dyskinesia 16. Last evaluated: 2026-01-05. Review status: criteria provided, single submitter. Criteria: Invitae Variant Classification Sherloc (09022015). Collection method: clinical testing. Allele origin: germline.
Comment: This sequence change creates a premature translational stop signal (p.Trp162*) in the DNAL1 gene. It is expected to result in an absent or disrupted protein product. Loss-of-function variants in DNAL1 are known to be pathogenic (PMID: 21496787). The frequency data for this variant in the population databases is considered unreliable, as metrics indicate poor data quality at this position in the gnomAD database. This variant has not been reported in the literature in individuals affected with DNAL1-related conditions. ClinVar contains an entry for this variant (Variation ID: 406527). For these reasons, this variant has been classified as Pathogenic.

Literature cited by the submitters: PubMed 21496787.

NM_031427.4(DNAL1):c.486G>A (p.Trp162Ter)

Gene: DNAL1 (dynein axonemal light chain 1; plus strand). Cytogenetic location: 14q24.3.
Variant type: single nucleotide variant.
Coding change: c.486G>A on transcript NM_031427.4 (MANE Select); coding-DNA position 486, G replaced by A.
Protein change: p.Trp162Ter; replaces tryptophan 162 with a stop codon.
Molecular consequence: nonsense.
Genome position (GRCh38, 1-based): chr14:73,689,469, G>A. VCF-style: chr14-73689469-G-A. GRCh37 (hg19) VCF-style: chr14-74156172-G-A.
Other names: c.369G>A, p.Trp123Ter (NM_001201366.2); short protein forms W162*, W123*.
Identifiers: ClinVar variation 406527 (VCV000406527.9), dbSNP rs372572996, ClinGen allele CA7261501.